The following is an entry in ClinVar:

NM_002880.4(RAF1):c.1765_1767del (p.Val589del)

Gene: RAF1 (Raf-1 proto-oncogene, serine/threonine kinase; minus strand). Cytogenetic location: 3p25.2.
Variant type: Deletion.
Coding change: c.1765_1767del on transcript NM_002880.4 (MANE Select); coding-DNA positions 1765 to 1767, 3 bases deleted (GTG; older notation c.1765_1767delGTG).
Protein change: p.Val589del; deletes valine 589.
Molecular consequence: inframe deletion. On other transcripts: non-coding transcript variant (3).
Genome position (GRCh38, 1-based): chr3:12,584,883-12,584,885, CAC deleted on the plus strand (GTG on the coding strand, the reverse complement: RAF1 is on the minus strand). VCF-style (leftmost placement, unchanged base first): chr3-12584882-TCAC-T. GRCh37 (hg19) VCF-style: chr3-12626381-TCAC-T.
Other names: c.1825_1827del, p.Val609del (NM_001354689.3); c.1765_1767del, p.Val589del (NM_001354690.3); c.1522_1524del, p.Val508del (NM_001354691.3, NM_001354692.3); c.1666_1668del, p.Val556del (NM_001354693.3); c.1582_1584del, p.Val528del (NM_001354694.3); c.1423_1425del, p.Val475del (NM_001354695.3); short protein forms V508del, V589del, V475del, V528del, V556del, V609del.
Identifiers: ClinVar variation 1501883 (VCV001501883.8), dbSNP rs2125319431, ClinGen allele CA432522010.

ClinVar aggregate classification (germline): Uncertain significance (1 of 4 stars; one submission).

Conditions:
RASopathy. Also called: rasopathies; Noonan spectrum disorder. Identifiers: Orphanet 536391, MedGen C5555857, MONDO:0021060.

Allele frequency attached by ClinVar (database versions not stated): gnomAD exomes below 0.00001.

Submission:

Labcorp Genetics (formerly Invitae), Labcorp
Classification: Uncertain significance for RASopathy. Last evaluated: 2022-07-12. Review status: criteria provided, single submitter. Criteria: Invitae Variant Classification Sherloc (09022015). Collection method: clinical testing. Allele origin: germline.
Comment: Experimental studies and prediction algorithms are not available or were not evaluated, and the functional significance of this variant is currently unknown. ClinVar contains an entry for this variant (Variation ID: 1501883). This variant has not been reported in the literature in individuals affected with RAF1-related conditions. This variant is not present in population databases (gnomAD no frequency). This variant, c.1765_1767del, results in the deletion of 1 amino acid(s) of the RAF1 protein (p.Val589del), but otherwise preserves the integrity of the reading frame. In summary, the available evidence is currently insufficient to determine the role of this variant in disease. Therefore, it has been classified as a Variant of Uncertain Significance.